The following is an entry in ClinVar:

ClinVar aggregate classification (germline): Likely pathogenic. Review status: criteria provided, multiple submitters, no conflicts (2 of 4 stars). 4 submissions from 4 submitters: Likely pathogenic (4). Last evaluated 2026-02-02.

Conditions:
Fraser syndrome 1 (FRASRS1). Also called: CRYPTOPHTHALMOS WITH OTHER MALFORMATIONS. Identifiers: Orphanet 2052, MedGen C4551480, MONDO:0054737, OMIM 219000.

Submissions (4):

Labcorp Genetics (formerly Invitae), Labcorp
Classification: Likely pathogenic. Last evaluated: 2026-02-02. Review status: criteria provided, single submitter. Criteria: Invitae Variant Classification Sherloc (09022015). Collection method: clinical testing. Allele origin: germline.
Comment: This variant results in the deletion of part of exon 24 of the FRAS1 gene. It is expected to disrupt RNA splicing. Variants that disrupt the donor or acceptor splice site typically lead to a loss of protein function (PMID: 16199547), and loss-of-function variants in FRAS1 are known to be pathogenic (PMID: 12766769, 18671281). The frequency data for this variant in the population databases is considered unreliable, as metrics indicate poor data quality at this position in the gnomAD database. This variant has not been reported in the literature in individuals affected with FRAS1-related conditions. ClinVar contains an entry for this variant (Variation ID: 1487548). In summary, the currently available evidence indicates that the variant is pathogenic, but additional data are needed to prove that conclusively. Therefore, this variant has been classified as Likely Pathogenic.

First Genomix Gene Laboratory, Genetic Diagnostics Department
Classification: Likely pathogenic for Fraser syndrome 1. Last evaluated: 2025-09-10. Review status: criteria provided, single submitter. Criteria: ACMG Guidelines, 2015. Collection method: clinical testing. Allele origin: germline. Inheritance: Autosomal recessive inheritance. Affected: no. Observed: 1 variant allele.

Revvity Omics, Revvity
Classification: Likely pathogenic for Fraser syndrome 1. Last evaluated: 2024-09-10. Review status: criteria provided, single submitter. Criteria: ACMG Guidelines, 2015. Collection method: clinical testing. Allele origin: germline.

Laboratorio de Genetica e Diagnostico Molecular, Hospital Israelita Albert Einstein
Classification: Likely pathogenic for Fraser syndrome 1. Last evaluated: 2023-11-01. Review status: criteria provided, single submitter. Criteria: ACMG Guidelines, 2015. Collection method: clinical testing. Allele origin: germline. Affected: yes.
Comment: ACMG classification criteria: PVS1 very strong, PM2 supporting

Literature cited by the submitters: PubMed 16199547 (cited by Labcorp Genetics (formerly Invitae), Labcorp); PubMed 12766769 (cited by Labcorp Genetics (formerly Invitae), Labcorp); PubMed 18671281 (cited by Labcorp Genetics (formerly Invitae), Labcorp).

NM_025074.7(FRAS1):c.3006_3010+7del

Gene: FRAS1 (Fraser extracellular matrix complex subunit 1; plus strand). Cytogenetic location: 4q21.21.
Variant type: Deletion.
Coding change: c.3006_3010+7del on transcript NM_025074.7 (MANE Select); coding-DNA position 3006 through 7 bases into the intron after coding-DNA position 3010, 12 bases deleted (CAAGAGTAAGTG).
Molecular consequence: splice donor variant.
Genome position (GRCh38, 1-based): chr4:78,372,854-78,372,865, CAAGAGTAAGTG deleted; deleting any 12 consecutive bases within chr4:78,372,852-78,372,865 gives the same sequence; the c. name uses the placement nearest the transcript's 3' end. VCF-style (leftmost placement, unchanged base first): chr4-78372851-CTGCAAGAGTAAG-C. GRCh37 (hg19) VCF-style: chr4-79294005-CTGCAAGAGTAAG-C.
Other names: c.3006_3010+7del (NM_001166133.2).
Identifiers: ClinVar variation 1487548 (VCV001487548.10), dbSNP rs765291607, ClinGen allele CA2976786.